The following is an entry in ClinVar:

NM_001170629.2(CHD8):c.6101G>A (p.Ser2034Asn)

Gene: CHD8 (chromodomain helicase DNA binding protein 8; minus strand). Cytogenetic location: 14q11.2.
Variant type: single nucleotide variant.
Coding change: c.6101G>A on transcript NM_001170629.2 (MANE Select); coding-DNA position 6101, G replaced by A.
Protein change: p.Ser2034Asn; replaces serine 2034 with asparagine.
Molecular consequence: missense variant.
Genome position (GRCh38, 1-based): chr14:21,393,694, C>T on the plus strand (G>A on the coding strand, the complement: CHD8 is on the minus strand). VCF-style: chr14-21393694-C-T. GRCh37 (hg19) VCF-style: chr14-21861853-C-T.
Other names: c.5264G>A, p.Ser1755Asn (NM_020920.4); short protein forms S1755N, S2034N.
Identifiers: ClinVar variation 4746976 (VCV004746976.1).

ClinVar aggregate classification (germline): Uncertain significance (1 of 4 stars; one submission).

Submission:

Labcorp Genetics (formerly Invitae), Labcorp
Classification: Uncertain significance. Last evaluated: 2025-11-22. Review status: criteria provided, single submitter. Criteria: Invitae Variant Classification Sherloc (09022015). Collection method: clinical testing. Allele origin: germline.
Comment: This sequence change replaces serine, which is neutral and polar, with asparagine, which is neutral and polar, at codon 2034 of the CHD8 protein (p.Ser2034Asn). This variant is not present in population databases (gnomAD no frequency). This variant has not been reported in the literature in individuals affected with CHD8-related conditions. Invitae Evidence Modeling of protein sequence and biophysical properties (such as structural, functional, and spatial information, amino acid conservation, physicochemical variation, residue mobility, and thermodynamic stability) indicates that this missense variant is not expected to disrupt CHD8 protein function with a negative predictive value of 95%. In summary, the available evidence is currently insufficient to determine the role of this variant in disease. Therefore, it has been classified as a Variant of Uncertain Significance.